The following is an entry in ClinVar:

NM_001009944.3(PKD1):c.629G>A (p.Cys210Tyr)

Gene: PKD1 (polycystin 1, transient receptor potential channel interacting; minus strand). Cytogenetic location: 16p13.3.
Variant type: single nucleotide variant.
Coding change: c.629G>A on transcript NM_001009944.3 (MANE Select); coding-DNA position 629, G replaced by A.
Protein change: p.Cys210Tyr; replaces cysteine 210 with tyrosine.
Molecular consequence: missense variant.
Genome position (GRCh38, 1-based): chr16:2,118,363, C>T on the plus strand (G>A on the coding strand, the complement: PKD1 is on the minus strand). VCF-style: chr16-2118363-C-T. GRCh37 (hg19) VCF-style: chr16-2168364-C-T.
Other names: c.629G>A, p.Cys210Tyr (NM_000296.4); short protein forms C210Y.
Identifiers: ClinVar variation 997539 (VCV000997539.4), dbSNP rs2092673697, ClinGen allele CA394394786.

ClinVar aggregate classification (germline): Conflicting classifications of pathogenicity. Review status: criteria provided, conflicting classifications (1 of 4 stars). 3 submissions from 3 submitters: Likely pathogenic (2); Uncertain significance (1). Last evaluated 2024-05-01.

Conditions:
Polycystic kidney disease, adult type (PKD1). Also called: Polycystic Kidney Disease 1, Autosomal Dominant; Polycystic kidney disease 1; Polycystic kidney disease 1, severe; Polycystic Kidney, Autosomal Dominant; POLYCYSTIC KIDNEY DISEASE, ADULT, TYPE I; POLYCYSTIC KIDNEY DISEASE 1 WITH OR WITHOUT POLYCYSTIC LIVER DISEASE. Identifiers: MedGen C3149841, MONDO:0008263, OMIM 173900.

Submissions (3):

Fulgent Genetics
Classification: Likely pathogenic for Polycystic kidney disease, adult type. Last evaluated: 2024-05-01. Review status: criteria provided, single submitter. Criteria: ACMG Guidelines, 2015. Collection method: clinical testing. Allele origin: germline.

Baylor Genetics
Classification: Likely pathogenic for Polycystic kidney disease, adult type. Last evaluated: 2020-09-11. Review status: criteria provided, single submitter. Criteria: ACMG Guidelines, 2015. Collection method: clinical testing. Allele origin: maternal. Affected: yes. Study: CSER-TexasKidsCanSeq.
Comment: This variant was determined to be likely pathogenic according to ACMG Guidelines, 2015 [PMID:25741868]. This variant has been previously reported in an individual with polycystic kidney disease [PMID 22383692]

Juno Genomics, Hangzhou Juno Genomics, Inc
Classification: Uncertain significance for Polycystic kidney disease, adult type. Review status: criteria provided, single submitter. Criteria: ACMG Guidelines, 2015. Collection method: clinical testing. Allele origin: germline. Affected: yes.
Comment: Absent from controls (or at extremely low frequency if recessive) in Genome Aggregation Database.;The prevalence of the variant in affected individuals is significantly increased compared to the prevalence in controls.;Patient's phenotype or family history is highly specific for a disease with a single genetic etiology.

Literature cited by the submitters: PubMed 22383692 (cited by Baylor Genetics).